The following is an entry in ClinVar:

NM_033004.4(NLRP1):c.2056A>G (p.Met686Val)

Gene: NLRP1 (NLR family pyrin domain containing 1; minus strand). Cytogenetic location: 17p13.2.
Variant type: single nucleotide variant.
Coding change: c.2056A>G on transcript NM_033004.4 (MANE Select); coding-DNA position 2056, A replaced by G.
Protein change: p.Met686Val; replaces methionine 686 with valine.
Molecular consequence: missense variant.
Genome position (GRCh38, 1-based): chr17:5,558,640, T>C on the plus strand (A>G on the coding strand, the complement: NLRP1 is on the minus strand). VCF-style: chr17-5558640-T-C. GRCh37 (hg19) VCF-style: chr17-5461960-T-C.
Other names: p.Met686Val; c.2056A>G, p.Met686Val (NM_001033053.3, NM_014922.5, NM_033006.4 and 1 more transcripts); short protein forms M686V.
Identifiers: ClinVar variation 1118049 (VCV001118049.15), dbSNP rs61753138, ClinGen allele CA8327270.

ClinVar aggregate classification (germline): Conflicting classifications of pathogenicity. Review status: criteria provided, conflicting classifications (1 of 4 stars). 4 submissions from 4 submitters: Uncertain significance (1); Likely benign (2). 1 of the submissions does not count toward it. Last evaluated 2026-02-01.

Conditions:
NLRP1-related disorder. Also called: NLRP1-related condition.

Allele frequency attached by ClinVar (database versions not stated): ESP Exome Variant Server 0.00023; gnomAD exomes 0.00030 and 0.00046; ExAC 0.00039; gnomAD 0.00040 and 0.00048; TOPMed 0.00063; 1000 Genomes Project 0.00100; 1000 Genomes Project 30x 0.00109.
gnomAD v4.1: 519 of 1,613,726 alleles (0.032%); highest among the groups gnomAD compares: Admixed American, 0.23%; 1 homozygote.

Submissions (4):

Labcorp Genetics (formerly Invitae), Labcorp
Classification: Likely benign. Last evaluated: 2026-02-01. Review status: criteria provided, single submitter. Criteria: Invitae Variant Classification Sherloc (09022015). Collection method: clinical testing. Allele origin: germline.

Mayo Clinic Laboratories, Mayo Clinic
Classification: Likely benign. Last evaluated: 2025-01-07. Review status: criteria provided, single submitter. Criteria: ACMG Guidelines, 2015. Collection method: clinical testing. Allele origin: germline. Observed: 1 variant allele.
Comment: BS1, BP4

GeneDx
Classification: Uncertain significance. Last evaluated: 2021-06-10. Review status: criteria provided, single submitter. Criteria: GeneDx Variant Classification Process June 2021. Collection method: clinical testing. Allele origin: germline. Affected: yes.
Comment: In silico analysis, which includes protein predictors and evolutionary conservation, supports a deleterious effect; Reported previously in an individual with multiple sclerosis; however, clinical and familial segregation information were not provided (Maver et al., 2017); This variant is associated with the following publications: (PMID: 27535533, 28623311)

PreventionGenetics, part of Exact Sciences
Classification: Likely benign for NLRP1-related condition. Last evaluated: 2023-07-05. Review status: no assertion criteria provided. Collection method: clinical testing. Allele origin: germline. Not counted in ClinVar's aggregate classification.
Comment: This variant is classified as likely benign based on ACMG/AMP sequence variant interpretation guidelines (Richards et al. 2015 PMID: 25741868, with internal and published modifications).

Literature cited by the submitters: PubMed 28623311 (cited by Mayo Clinic Laboratories, Mayo Clinic).